The following is an entry in ClinVar:

NM_014625.4(NPHS2):c.525_527delinsA (p.Phe176fs)

Gene: NPHS2 (NPHS2 stomatin family member, podocin; minus strand). Cytogenetic location: 1q25.2.
Variant type: Indel.
Coding change: c.525_527delinsA on transcript NM_014625.4 (MANE Select); coding-DNA positions 525 to 527, TTT replaced by A.
Protein change: p.Phe176fs; shifts the reading frame from phenylalanine 176.
Molecular consequence: frameshift variant.
Genome position (GRCh38, 1-based): chr1:179,559,686-179,559,688, AAA replaced by T on the plus strand (TTT replaced by A on the coding strand, the reverse complement: NPHS2 is on the minus strand). VCF-style: chr1-179559686-AAA-T. GRCh37 (hg19) VCF-style: chr1-179528821-AAA-T.
Other names: c.525_527delinsA, p.Phe176fs (NM_001297575.2); short protein forms F176fs.
Identifiers: ClinVar variation 1726730 (VCV001726730.2), dbSNP rs2526288141, ClinGen allele CA2580061537.

ClinVar aggregate classification (germline): Likely pathogenic (1 of 4 stars; one submission).

Conditions:
Nephrotic syndrome, type 2 (NPHS2). Also called: NEPHROTIC SYNDROME, STEROID-RESISTANT, AUTOSOMAL RECESSIVE. Identifiers: Orphanet 656, MedGen C1868672, MONDO:0010974, OMIM 600995.

Submission:

Myriad Genetics, Inc.
Classification: Likely pathogenic for Nephrotic syndrome, type 2. Last evaluated: 2021-12-31. Review status: criteria provided, single submitter. Criteria: Myriad Women's Health Autosomal Recessive and X-Linked Classification Criteria (2021). Collection method: clinical testing. Allele origin: unknown.
Comment: NM_014625.2(NPHS2):c.525_527delTTTinsA(F176Sfs*2) is expected to be pathogenic in the context of nephrotic syndrome, NPHS2-related. This variant is predicted to lead to an abnormal or absent protein product due to the creation of a premature termination codon in NPHS2, a gene where loss-of-function variants are known to be pathogenic. Please note: this variant was assessed in the context of healthy population screening.